The following is an entry in ClinVar:

ClinVar aggregate classification (germline): Uncertain significance (1 of 4 stars; one submission).

Conditions:
Ataxia-telangiectasia syndrome (AT). Also called: LOUIS-BAR SYNDROME; Cerebello-oculocutaneous telangiectasia; Immunodeficiency with ataxia telangiectasia; Ataxia telangiectasia (A-T); Ataxia-telangiectasia, complementation group D; AT, COMPLEMENTATION GROUP C. Identifiers: Orphanet 100, MedGen C0004135, MONDO:0008840, OMIM 208900.

Allele frequency attached by ClinVar (database versions not stated): TOPMed below 0.00001; gnomAD exomes below 0.00001.
gnomAD v4.1: 1 of 1,613,666 alleles (0.000062%); highest among the groups gnomAD compares: Non-Finnish European, 0.000085%; no homozygotes.

Submission:

Labcorp Genetics (formerly Invitae), Labcorp
Classification: Uncertain significance for Ataxia-telangiectasia syndrome. Last evaluated: 2025-06-12. Review status: criteria provided, single submitter. Criteria: Invitae Variant Classification Sherloc (09022015). Collection method: clinical testing. Allele origin: germline.
Comment: This sequence change replaces leucine, which is neutral and non-polar, with proline, which is neutral and non-polar, at codon 1934 of the ATM protein (p.Leu1934Pro). This variant is not present in population databases (gnomAD no frequency). This variant has not been reported in the literature in individuals affected with ATM-related conditions. ClinVar contains an entry for this variant (Variation ID: 2801642). Invitae Evidence Modeling of protein sequence and biophysical properties (such as structural, functional, and spatial information, amino acid conservation, physicochemical variation, residue mobility, and thermodynamic stability) indicates that this missense variant is expected to disrupt ATM protein function with a positive predictive value of 95%. In summary, the available evidence is currently insufficient to determine the role of this variant in disease. Therefore, it has been classified as a Variant of Uncertain Significance.

NM_000051.4(ATM):c.5801T>C (p.Leu1934Pro)

Genes: ATM (ATM serine/threonine kinase; plus strand), C11orf65 (chromosome 11 open reading frame 65; minus strand). Cytogenetic location: 11q22.3.
Variant type: single nucleotide variant.
Coding change: c.5801T>C on transcript NM_000051.4 (MANE Select); coding-DNA position 5801, T replaced by C.
Protein change: p.Leu1934Pro; replaces leucine 1934 with proline.
Molecular consequence: missense variant. On other transcripts: intron variant (2).
Genome position (GRCh38, 1-based): chr11:108,310,198, T>C. VCF-style: chr11-108310198-T-C. GRCh37 (hg19) VCF-style: chr11-108180925-T-C.
Other names: c.5801T>C, p.Leu1934Pro (NM_001351834.2); c.641-1127A>G (NM_001330368.2); c.*39-1127A>G (NM_001351110.2); short protein forms L1934P.
Identifiers: ClinVar variation 2801642 (VCV002801642.3), dbSNP rs1591745717, ClinGen allele CA382548355.